The following is an entry in ClinVar:

NM_006206.6(PDGFRA):c.1896G>A (p.Thr632=)

Gene: PDGFRA (platelet derived growth factor receptor alpha; plus strand). Cytogenetic location: 4q12.
Variant type: single nucleotide variant.
Coding change: c.1896G>A on transcript NM_006206.6 (MANE Select); coding-DNA position 1896, G replaced by A.
Protein change: p.Thr632=; no amino-acid change (threonine 632 retained).
Molecular consequence: synonymous variant.
Genome position (GRCh38, 1-based): chr4:54,277,900, G>A. VCF-style: chr4-54277900-G-A. GRCh37 (hg19) VCF-style: chr4-55144067-G-A.
Other names: c.1896G>A, p.Thr632= (NM_001347827.2, NM_001347829.2); c.1971G>A, p.Thr657= (NM_001347828.2); c.1935G>A, p.Thr645= (NM_001347830.2); c.1896G>A (NM_006206.5).
Identifiers: ClinVar variation 240320 (VCV000240320.19), dbSNP rs141835121, ClinGen allele CA2922710.

ClinVar aggregate classification (germline): Benign/Likely benign. Review status: criteria provided, multiple submitters, no conflicts (2 of 4 stars). 5 submissions from 5 submitters: Benign (1); Likely benign (3). 1 of the submissions does not count toward it. Last evaluated 2026-06-17.

Conditions:
PDGFRA-related disorder. Also called: PDGFRA-related condition.
Polyps, multiple and recurrent inflammatory fibroid, gastrointestinal. Identifiers: MedGen C5193005, MONDO:0008285, OMIM 175510.
Hereditary cancer-predisposing syndrome. Also called: Neoplastic Syndromes, Hereditary; Hereditary Cancer Syndrome; Tumor predisposition; Hereditary neoplastic syndrome. Identifiers: Orphanet 140162, MedGen C0027672, MeSH D009386, MONDO:0015356.
Gastrointestinal stromal tumor. Also called: Gastrointestinal stroma tumor; Gastrointestinal stromal tumor, somatic. Identifiers: Orphanet 44890, MedGen C0238198, MeSH D046152, MONDO:0011719, OMIM 606764, HP:0100723.

Allele frequency attached by ClinVar (database versions not stated): ExAC 0.00005; gnomAD exomes 0.00006; ESP Exome Variant Server 0.00008; TOPMed 0.00009; gnomAD 0.00010 and 0.00011.
gnomAD v4.1: 78 of 1,608,286 alleles (0.0048%); highest among the groups gnomAD compares: Middle Eastern, 0.017%; no homozygotes.

Submissions (5):

Myriad Genetics, Inc.
Classification: Benign for Polyps, multiple and recurrent inflammatory fibroid, gastrointestinal. Last evaluated: 2026-06-17. Review status: criteria provided, single submitter. Criteria: Myriad Autosomal Dominant, Autosomal Recessive and X-Linked Classification Criteria (2023). Collection method: clinical testing. Allele origin: unknown.
Comment: This variant is considered benign. This variant is a silent/synonymous amino acid change and it is not expected to impact splicing.

Labcorp Genetics (formerly Invitae), Labcorp
Classification: Likely benign for Gastrointestinal stromal tumor. Last evaluated: 2026-01-11. Review status: criteria provided, single submitter. Criteria: Invitae Variant Classification Sherloc (09022015). Collection method: clinical testing. Allele origin: germline.

Blueprint Genetics
Classification: Likely benign. Last evaluated: 2024-09-30. Review status: criteria provided, single submitter. Criteria: ACMG Guidelines, 2015. Collection method: clinical testing. Allele origin: germline.

Ambry Genetics
Classification: Likely benign for Hereditary cancer-predisposing syndrome. Last evaluated: 2019-06-04. Review status: criteria provided, single submitter. Criteria: Ambry Variant Classification Scheme 2023. Collection method: clinical testing. Allele origin: germline.

PreventionGenetics, part of Exact Sciences
Classification: Likely benign for PDGFRA-related condition. Last evaluated: 2022-04-29. Review status: no assertion criteria provided. Collection method: clinical testing. Allele origin: germline. Not counted in ClinVar's aggregate classification.
Comment: This variant is classified as likely benign based on ACMG/AMP sequence variant interpretation guidelines (Richards et al. 2015 PMID: 25741868, with internal and published modifications).